The following is an entry in ClinVar:

NM_006270.5(RRAS):c.193T>G (p.Ser65Ala)

Gene: RRAS (RAS related; minus strand). Cytogenetic location: 19q13.33.
Variant type: single nucleotide variant.
Coding change: c.193T>G on transcript NM_006270.5 (MANE Select); coding-DNA position 193, T replaced by G.
Protein change: p.Ser65Ala; replaces serine 65 with alanine.
Molecular consequence: missense variant.
Genome position (GRCh38, 1-based): chr19:49,637,091, A>C on the plus strand (T>G on the coding strand, the complement: RRAS is on the minus strand). VCF-style: chr19-49637091-A-C. GRCh37 (hg19) VCF-style: chr19-50140348-A-C.
Other names: short protein forms S65A.
Identifiers: ClinVar variation 3790636 (VCV003790636.1).

ClinVar aggregate classification (germline): Uncertain significance (1 of 4 stars; one submission).

Submission:

Ambry Genetics
Classification: Uncertain significance. Last evaluated: 2025-02-20. Review status: criteria provided, single submitter. Criteria: Ambry Variant Classification Scheme 2023. Collection method: clinical testing. Allele origin: germline.
Comment: The p.S65A variant (also known as c.193T>G), located in coding exon 2 of the RRAS gene, results from a T to G substitution at nucleotide position 193. The serine at codon 65 is replaced by alanine, an amino acid with similar properties. This amino acid position is conserved. In addition, the in silico prediction for this alteration is inconclusive. Based on the available evidence, the clinical significance of this variant remains unclear.